The following is an entry in ClinVar:

ClinVar aggregate classification (germline): Pathogenic (1 of 4 stars; one submission).

Conditions:
Intellectual developmental disorder with autism and macrocephaly. Also called: CHD8-Related Neurodevelopmental Disorder with Overgrowth; Autism, susceptibility to, 18. Identifiers: Orphanet 642675, MedGen C3554373, MONDO:0014017, OMIM 615032.

Submission:

Victorian Clinical Genetics Services, Murdoch Childrens Research Institute
Classification: Pathogenic for Intellectual developmental disorder with autism and macrocephaly. Last evaluated: 2025-09-08. Review status: criteria provided, single submitter. Criteria: ACMG Guidelines, 2015. Collection method: clinical testing. Allele origin: germline. Affected: yes.
Comment: This variant is classified as Pathogenic. Evidence in support of pathogenic classification: Variant is predicted to cause nonsense-mediated decay (NMD) and loss of protein (premature termination codon is located at least 54 nucleotides upstream of the final exon-exon junction); Variant is absent from gnomAD (v2, v3 and v4); Other NMD-predicted variant(s) comparable to the one identified in this case have very strong previous evidence for pathogenicity (DECIPHER). Additional information: This variant is heterozygous; This gene is associated with autosomal dominant disease; This variant has no previous evidence of pathogenicity; No published evidence of segregation with disease has been identified for this variant; No published functional evidence has been identified for this variant; Loss of function is a known mechanism of disease in this gene and is associated with intellectual developmental disorder with autism and macrocephaly (MIM#615032); Inheritance information for this variant is not currently available in this individual.

NM_001170629.2(CHD8):c.2973del (p.His992fs)

Gene: CHD8 (chromodomain helicase DNA binding protein 8; minus strand). Cytogenetic location: 14q11.2.
Variant type: Deletion.
Coding change: c.2973del on transcript NM_001170629.2 (MANE Select); coding-DNA position 2973, one base deleted (T; older notation c.2973delT).
Protein change: p.His992fs; shifts the reading frame from histidine 992.
Molecular consequence: frameshift variant.
Genome position (GRCh38, 1-based): chr14:21,405,799, A deleted on the plus strand (T on the coding strand, the reverse complement: CHD8 is on the minus strand); the first of 2 consecutive A bases (chr14:21,405,799-21,405,800); deleting either gives the same sequence. VCF-style (leftmost placement, unchanged base first): chr14-21405798-GA-G. GRCh37 (hg19) VCF-style: chr14-21873957-GA-G.
Other names: c.2136del, p.His713fs (NM_020920.4); short protein forms H713fs, H992fs.
Identifiers: ClinVar variation 4531475 (VCV004531475.1).